The following is an entry in ClinVar:

NM_002471.4(MYH6):c.4768C>A (p.Arg1590Ser)

Genes: MYH6 (myosin heavy chain 6; minus strand), LOC126861896 (BRD4-independent group 4 enhancer GRCh37_chr14:23854904-23856103; plus strand). Cytogenetic location: 14q11.2.
Variant type: single nucleotide variant.
Coding change: c.4768C>A on transcript NM_002471.4 (MANE Select); coding-DNA position 4768, C replaced by A.
Protein change: p.Arg1590Ser; replaces arginine 1590 with serine.
Molecular consequence: missense variant.
Genome position (GRCh38, 1-based): chr14:23,386,506, G>T on the plus strand (C>A on the coding strand, the complement: MYH6 is on the minus strand). VCF-style: chr14-23386506-G-T. GRCh37 (hg19) VCF-style: chr14-23855715-G-T.
Other names: short protein forms R1590S.
Identifiers: ClinVar variation 520529 (VCV000520529.15), dbSNP rs544624250, ClinGen allele CA7114644.

ClinVar aggregate classification (germline): Uncertain significance. Review status: criteria provided, multiple submitters, no conflicts (2 of 4 stars). 8 submissions from 8 submitters: Uncertain significance (8). Last evaluated 2026-08-06.

Conditions:
Atrial septal defect 3 (ASD3). Identifiers: Orphanet 1478, MedGen C3279790, MONDO:0013567, OMIM 614089.
Hypertrophic cardiomyopathy 1 (CMH1). Also called: Familial hypertrophic cardiomyopathy 1; MYH7-Related Familial Hypertrophic Cardiomyopathy. Identifiers: MedGen C3495498, MONDO:0008647, OMIM 192600.
Dilated cardiomyopathy 1EE (CMD1EE). Identifiers: Orphanet 154, MedGen C2750466, MONDO:0013198, OMIM 613252.
Hypertrophic cardiomyopathy 14. Identifiers: MedGen C2750467, MONDO:0013197, OMIM 613251.
Sick sinus syndrome 3, susceptibility to (SSS3). Identifiers: Orphanet 166282, MedGen C3279791, MONDO:0013568, OMIM 614090.
Cardiovascular phenotype. Identifiers: MedGen CN230736.
Primary familial hypertrophic cardiomyopathy (HCM). Identifiers: Orphanet 99739, MedGen C0949658, MeSH D024741, MONDO:0024573. Inheritance: Various modes of inheritance.
MYH6-related disorder. Also called: MYH6-related condition; MYH6-Related Disorders.

Allele frequency attached by ClinVar (database versions not stated): TOPMed 0.00001; 1000 Genomes Project 0.00020; gnomAD 0.00003; 1000 Genomes Project 30x 0.00031.
gnomAD v4.1: 14 of 1,614,142 alleles (0.00087%); highest among the groups gnomAD compares: Middle Eastern, 0.017%; no homozygotes.

Submissions (8):

OLLIN Analises Genomicas, OLLIN
Classification: Uncertain significance for Sick sinus syndrome 3, susceptibility to. Last evaluated: 2026-08-06. Review status: criteria provided, single submitter. Criteria: ACMG Guidelines 2015 PMID 25741868. Collection method: clinical testing. Allele origin: germline. Inheritance: Autosomal dominant inheritance.
Comment: This missense variant, located in exon 33 (of 39), has been reported in ClinVar (accession VCV001742932.2) and in gnomAD with an allele frequency of 0.00087%. However, to our knowledge, it has not been reported in the scientific literature. In silico analysis predicts that this variant has a deleterious effect. According to the currently available evidence, this variant has been classified as uncertain significance (PP3_M).

PreventionGenetics, part of Exact Sciences
Classification: Uncertain significance for MYH6-related condition. Last evaluated: 2026-02-15. Review status: criteria provided, single submitter. Criteria: ACMG Guidelines, 2015. Collection method: clinical testing. Allele origin: germline.
Comment: The MYH6 c.4768C>A variant is predicted to result in the amino acid substitution p.Arg1590Ser. This variant has been reported in a sudden arrhythmic death cohort (Campuzano et al. 2017. PubMed ID: 28255936). This variant has also been reported in an individual with pulmonary atresia and ventricular septal defect; however, this variant was inherited from the unaffected father (Hauser et al. 2018. PubMed ID: 29368431). This variant is reported in 0.0080% of alleles in individuals of African descent in gnomAD. At this time, the clinical significance of this variant is uncertain due to the absence of conclusive functional and genetic evidence.

GeneDx
Classification: Uncertain significance. Last evaluated: 2025-05-27. Review status: criteria provided, single submitter. Criteria: GeneDx Variant Classification Process June 2021. Collection method: clinical testing. Allele origin: germline. Affected: yes.
Comment: Reported in one individual with autopsy-negative sudden cardiac death (PMID: 28255936); Not observed at significant frequency in large population cohorts (gnomAD); In silico analysis supports that this missense variant has a deleterious effect on protein structure/function; This variant is associated with the following publications: (PMID: 28255936, 27535533, 29368431)

Labcorp Genetics (formerly Invitae), Labcorp
Classification: Uncertain significance for Hypertrophic cardiomyopathy 14. Last evaluated: 2024-12-04. Review status: criteria provided, single submitter. Criteria: Invitae Variant Classification Sherloc (09022015). Collection method: clinical testing. Allele origin: germline.
Comment: This sequence change replaces arginine, which is basic and polar, with serine, which is neutral and polar, at codon 1590 of the MYH6 protein (p.Arg1590Ser). This variant is present in population databases (rs544624250, gnomAD 0.007%). This missense change has been observed in individual(s) with MYH6-related conditions (PMID: 29368431). ClinVar contains an entry for this variant (Variation ID: 520529). Invitae Evidence Modeling of protein sequence and biophysical properties (such as structural, functional, and spatial information, amino acid conservation, physicochemical variation, residue mobility, and thermodynamic stability) has been performed for this missense variant. However, the output from this modeling did not meet the statistical confidence thresholds required to predict the impact of this variant on MYH6 protein function. In summary, the available evidence is currently insufficient to determine the role of this variant in disease. Therefore, it has been classified as a Variant of Uncertain Significance.

Ambry Genetics
Classification: Uncertain significance for Cardiovascular phenotype. Last evaluated: 2023-02-22. Review status: criteria provided, single submitter. Criteria: Ambry Variant Classification Scheme 2023. Collection method: clinical testing. Allele origin: germline.
Comment: The p.R1590S variant (also known as c.4768C>A), located in coding exon 31 of the MYH6 gene, results from a C to A substitution at nucleotide position 4768. The arginine at codon 1590 is replaced by serine, an amino acid with dissimilar properties. This variant has been detected in individuals from sudden death and congenital heart disease cohorts (Campuzano O et al. Sports Med, 2017 Oct;47:2101-2115; Hauser NS et al. Mol Genet Genomic Med, 2018 03;6:200-212). This alteration has also been noted in a pediatric cardiomyopathy cohort (Ware SM et al. Am J Hum Genet, 2022 Feb;109:282-298). This amino acid position is highly conserved in available vertebrate species. In addition, this alteration is predicted to be deleterious by in silico analysis. Since supporting evidence is limited at this time, the clinical significance of this alteration remains unclear.

Department of Pathology and Laboratory Medicine, Sinai Health System
Classification: Uncertain significance for Hypertrophic cardiomyopathy 14; Dilated cardiomyopathy 1EE; Hypertrophic cardiomyopathy 1; Atrial septal defect 3. Last evaluated: 2022-11-29. Review status: criteria provided, single submitter. Criteria: ACMG Guidelines, 2015. Collection method: research. Allele origin: germline.

Fulgent Genetics
Classification: Uncertain significance for Hypertrophic cardiomyopathy 1; Hypertrophic cardiomyopathy 14; Dilated cardiomyopathy 1EE; Atrial septal defect 3; Sick sinus syndrome 3, susceptibility to. Last evaluated: 2021-08-12. Review status: criteria provided, single submitter. Criteria: ACMG Guidelines, 2015. Collection method: clinical testing. Allele origin: unknown.

Molecular Diagnostic Laboratory for Inherited Cardiovascular Disease, Montreal Heart Institute
Classification: Uncertain significance for Primary familial hypertrophic cardiomyopathy. Last evaluated: 2016-07-10. Review status: criteria provided, single submitter. Criteria: ACMG Guidelines, 2015. Collection method: clinical testing. Allele origin: germline. Affected: yes.

Literature cited by the submitters: PubMed 29368431 (cited by Labcorp Genetics (formerly Invitae), Labcorp and Ambry Genetics); PubMed 28255936 (cited by Ambry Genetics); PubMed 35026164 (cited by Ambry Genetics).